The following is an entry in ClinVar:

NM_000082.4(ERCC8):c.520A>T (p.Lys174Ter)

Gene: ERCC8 (ERCC excision repair 8, CSA ubiquitin ligase complex subunit; minus strand). Cytogenetic location: 5q12.1.
Variant type: single nucleotide variant.
Coding change: c.520A>T on transcript NM_000082.4 (MANE Select); coding-DNA position 520, A replaced by T.
Protein change: p.Lys174Ter; replaces lysine 174 with a stop codon.
Molecular consequence: nonsense.
Genome position (GRCh38, 1-based): chr5:60,903,678, T>A on the plus strand (A>T on the coding strand, the complement: ERCC8 is on the minus strand). VCF-style: chr5-60903678-T-A. GRCh37 (hg19) VCF-style: chr5-60199505-T-A.
Other names: c.346A>T, p.Lys116Ter (NM_001007233.3); c.520A>T, p.Lys174Ter (NM_001007234.3); c.61A>T, p.Lys21Ter (NM_001290285.2); short protein forms K116*, K174*, K21*.
Identifiers: ClinVar variation 5014103 (VCV005014103.1).
Genomic context (GRCh38, chr5:60,903,678, plus strand): 5'-TAGTTGCCGTTTGAAATAAAATAAAAATACCCTGTAGAATGTGAGAACAGGATCCAGACT[T>A]CAAGTCACAAAGTTGTACTTTGGGTCCTCTAGTACCAACTGTAAAAACAGAACCGGTTTA-3'

ClinVar aggregate classification (germline): Pathogenic (1 of 4 stars; one submission).

Conditions:
Cockayne syndrome type 1. Also called: Cockayne syndrome type I; Cockayne syndrome classical; Cockayne syndrome classic form. Identifiers: Orphanet 191, Orphanet 90321, MedGen C0751039, MONDO:0019569, OMIM 216400.

Submission:

Myriad Genetics, Inc.
Classification: Pathogenic for Cockayne syndrome type 1. Last evaluated: 2025-02-17. Review status: criteria provided, single submitter. Criteria: Myriad Autosomal Dominant, Autosomal Recessive and X-Linked Classification Criteria (2023). Collection method: clinical testing. Allele origin: unknown.
Comment: NM_000082.3(ERCC8):c.520A>T(K174*) is expected to be pathogenic in the context of ERCC8-related disorders. This variant is predicted to lead to an abnormal or absent protein product due to the creation of a premature termination codon in ERCC8, a gene where loss-of-function variants are known to be pathogenic. Please note: this variant was assessed in the context of healthy population screening.